The following is an entry in ClinVar:

ClinVar aggregate classification (germline): Likely pathogenic (1 of 4 stars; one submission).

Conditions:
Isovaleryl-CoA dehydrogenase deficiency (IVA). Also called: IVD DEFICIENCY; Classic Isovaleric Acidemia; ISOVALERIC ACID CoA DEHYDROGENASE DEFICIENCY; Isovaleric acidemia. Identifiers: Orphanet 33, MedGen C0268575, MONDO:0009475, OMIM 243500.

Submission:

Labcorp Genetics (formerly Invitae), Labcorp
Classification: Likely pathogenic for Isovaleryl-CoA dehydrogenase deficiency. Last evaluated: 2023-08-21. Review status: criteria provided, single submitter. Criteria: Invitae Variant Classification Sherloc (09022015). Collection method: clinical testing. Allele origin: germline.
Comment: This variant results in the deletion of part of exon 7 (c.770_794-762del) of the IVD gene. It is expected to disrupt RNA splicing. Variants that disrupt the donor or acceptor splice site typically lead to a loss of protein function (PMID: 16199547), and loss-of-function variants in IVD are known to be pathogenic (PMID: 16602101). This variant has not been reported in the literature in individuals affected with IVD-related conditions. In summary, the currently available evidence indicates that the variant is pathogenic, but additional data are needed to prove that conclusively. Therefore, this variant has been classified as Likely Pathogenic.

Literature cited by the submitters: PubMed 16199547; PubMed 16602101.

NC_000015.10:g.(?_40413063)_(40414126_?)del

Gene: IVD (isovaleryl-CoA dehydrogenase; plus strand). Cytogenetic location: 15q15.1.
Variant type: Deletion.
Identifiers: ClinVar variation 830641 (VCV000830641.3).